The following is an entry in ClinVar:

ClinVar aggregate classification (germline): Uncertain significance. Review status: criteria provided, multiple submitters, no conflicts (2 of 4 stars). 5 submissions from 5 submitters: Uncertain significance (4). 1 of the submissions does not count toward it. Last evaluated 2025-02-26.

Conditions:
Hereditary nonpolyposis colorectal neoplasms. Identifiers: MedGen C0009405, MeSH D003123.
Hereditary cancer-predisposing syndrome. Also called: Tumor predisposition; Hereditary neoplastic syndrome; Neoplastic Syndromes, Hereditary; Hereditary Cancer Syndrome. Identifiers: Orphanet 140162, MedGen C0027672, MeSH D009386, MONDO:0015356.
Lynch syndrome. Identifiers: Orphanet 144, MedGen C4552100, MONDO:0005835. Disease mechanism: loss of function.
Carcinoma of colon (CRC). Also called: Colonic carcinoma; Colon carcinoma. Identifiers: MedGen C0699790, MONDO:0002032.

Allele frequency attached by ClinVar (database versions not stated): TOPMed below 0.00001.
gnomAD v4.1: 6 of 1,614,176 alleles (0.00037%); highest among the groups gnomAD compares: Admixed American, 0.0017%; no homozygotes.

Submissions (5):

Labcorp Genetics (formerly Invitae), Labcorp
Classification: Uncertain significance for Hereditary nonpolyposis colorectal neoplasms. Last evaluated: 2025-02-26. Review status: criteria provided, single submitter. Criteria: Invitae Variant Classification Sherloc (09022015). Collection method: clinical testing. Allele origin: germline.
Comment: This sequence change replaces glycine, which is neutral and non-polar, with glutamic acid, which is acidic and polar, at codon 273 of the MSH6 protein (p.Gly273Glu). This variant is not present in population databases (gnomAD no frequency). This missense change has been observed in individual(s) with breast and ovarian cancer (PMID: 34326862). ClinVar contains an entry for this variant (Variation ID: 184864). Invitae Evidence Modeling of protein sequence and biophysical properties (such as structural, functional, and spatial information, amino acid conservation, physicochemical variation, residue mobility, and thermodynamic stability) indicates that this missense variant is not expected to disrupt MSH6 protein function with a negative predictive value of 95%. In summary, the available evidence is currently insufficient to determine the role of this variant in disease. Therefore, it has been classified as a Variant of Uncertain Significance.

GeneDx
Classification: Uncertain significance. Last evaluated: 2025-02-18. Review status: criteria provided, single submitter. Criteria: GeneDx Variant Classification Process June 2021. Collection method: clinical testing. Allele origin: germline. Affected: yes.
Comment: Not observed at significant frequency in large population cohorts (gnomAD); In silico analysis indicates that this missense variant does not alter protein structure/function; Observed in an individual with breast and ovarian cancer (PMID: 34326862); This variant is associated with the following publications: (PMID: 29922827, 21437237, 34326862)

Ambry Genetics
Classification: Uncertain significance for Hereditary cancer-predisposing syndrome. Last evaluated: 2024-11-18. Review status: criteria provided, single submitter. Criteria: Ambry Variant Classification Scheme 2023. Collection method: clinical testing. Allele origin: germline.
Comment: The p.G273E variant (also known as c.818G>A), located in coding exon 4 of the MSH6 gene, results from a G to A substitution at nucleotide position 818. The glycine at codon 273 is replaced by glutamic acid, an amino acid with similar properties. This variant was identified in an individual with breast and ovarian cancer as part of a large Canadian cohort study of 2870 individuals (Bhai P et al. Front Genet, 2021 Jul;12:698595). This amino acid position is not well conserved in available vertebrate species. In addition, the in silico prediction for this alteration is inconclusive. Based on the available evidence, the clinical significance of this variant remains unclear.

All of Us Research Program, National Institutes of Health
Classification: Uncertain significance for Lynch syndrome. Last evaluated: 2024-01-11. Review status: criteria provided, single submitter. Criteria: ACMG Guidelines, 2015. Collection method: clinical testing. Allele origin: germline. Inheritance: Autosomal dominant inheritance. Observed: 2 variant alleles, 2 heterozygotes.
Comment: This missense variant replaces glycine with glutamic acid at codon 273 of the MSH6 protein. Computational prediction suggests that this variant may not impact protein structure and function (internally defined REVEL score threshold <= 0.5, PMID: 27666373). To our knowledge, functional studies have not been reported for this variant. This variant has not been reported in individuals affected with MSH6-related disorders in the literature. This variant has not been identified in the general population by the Genome Aggregation Database (gnomAD). The available evidence is insufficient to determine the role of this variant in disease conclusively. Therefore, this variant is classified as a Variant of Uncertain Significance.

This study involves interpretation of variants in research participants for the purpose of population health screening. Participant phenotype was not available at the time of variant classification. Additional details can be found in publication PMID: 35346344, PMCID: PMC8962531

Department of Pathology and Laboratory Medicine, Sinai Health System
Classification: Uncertain significance for Carcinoma of colon. Review status: no assertion criteria provided. Collection method: clinical testing. Allele origin: unknown. Affected: yes. Observed: 1 variant allele. Study: The Canadian Open Genetics Repository (COGR). Not counted in ClinVar's aggregate classification.
Comment: The MSH6 p.Gly273Glu variant was not identified in the literature nor was it identified in the COGR, COSMIC, MutDB, UMD-LSDB, Insight Colon Cancer Gene Variant Database, Zhejiang Colon Cancer Database, Mismatch Repair Genes Variant Database, or the Insight Hereditary Tumors Database. The variant was identified in dbSNP (ID: rs769610487) as â€šÃ„ÃºWith Uncertain significance alleleâ€šÃ„Ã¹, ClinVar and Clinvitae databases (2x classified as uncertain significance by Ambry Genetics and Invitae). The variant was not identified in the 1000 Genomes Project, the NHLBI GO Exome Sequencing Project, Exome Aggregation Consortium (August 8th 2016) or the Genome Aggregation Consortium (Feb 27, 2017). The p.Gly273Glu residue is not conserved in mammals and four out of five computational analyses (PolyPhen-2, SIFT, AlignGVGD, BLOSUM, MutationTaster) do not suggest a high likelihood of impact to the protein; however, this information is not predictive enough to rule out pathogenicity. The variant occurs outside of the splicing consensus sequence and in silico or computational prediction software programs (SpliceSiteFinder, MaxEntScan, NNSPLICE, GeneSplicer, HumanSpliceFinder) do not predict a difference in splicing. The variant is located within the DNA mismatch repair protein Msh6 functional domain. In summary, based on the above information the clinical significance of this variant cannot be determined with certainty at this time. This variant is classified as a variant of uncertain significance.

Literature cited by the submitters: PubMed 34326862 (cited by Labcorp Genetics (formerly Invitae), Labcorp and Ambry Genetics).

NM_000179.3(MSH6):c.818G>A (p.Gly273Glu)

Gene: MSH6 (mutS homolog 6; plus strand). Cytogenetic location: 2p16.3.
Variant type: single nucleotide variant.
Coding change: c.818G>A on transcript NM_000179.3 (MANE Select); coding-DNA position 818, G replaced by A.
Protein change: p.Gly273Glu; replaces glycine 273 with glutamic acid.
Molecular consequence: missense variant. On other transcripts: 5 prime UTR variant (2).
Genome position (GRCh38, 1-based): chr2:47,798,801, G>A. VCF-style: chr2-47798801-G-A. GRCh37 (hg19) VCF-style: chr2-48025940-G-A.
Other names: c.428G>A, p.Gly143Glu (NM_001281492.2); c.-89G>A (NM_001281493.2, NM_001281494.2); short protein forms G273E, G143E.
Identifiers: ClinVar variation 184864 (VCV000184864.19), dbSNP rs769610487, ClinGen allele CA016500.